The following is an entry in ClinVar:

NM_153638.4(PANK2):c.12C>T (p.Leu4=)

Genes: PANK2 (pantothenate kinase 2; plus strand), PANK2-AS1 (PANK2 antisense RNA 1; minus strand). Cytogenetic location: 20p13.
Variant type: single nucleotide variant.
Coding change: c.12C>T on transcript NM_153638.4; coding-DNA position 12, C replaced by T.
Protein change: p.Leu4=; no amino-acid change (leucine 4 retained).
Molecular consequence: synonymous variant. On other transcripts: intron variant (1).
Genome position (GRCh38, 1-based): chr20:3,889,112, C>T. VCF-style: chr20-3889112-C-T. GRCh37 (hg19) VCF-style: chr20-3869759-C-T.
Other names: c.12C>T, p.Leu4= (NM_001324192.1); c.-246+208C>T (NM_024960.6).
Identifiers: ClinVar variation 286784 (VCV000286784.37), dbSNP rs774784800, ClinGen allele CA9750454.

ClinVar aggregate classification (germline): Conflicting classifications of pathogenicity. Review status: criteria provided, conflicting classifications (1 of 4 stars). 5 submissions from 5 submitters: Uncertain significance (1); Likely benign (4). Last evaluated 2026-01-19.

Conditions:
PANK2-related disorder. Also called: PANK2-related condition.
Pigmentary pallidal degeneration (NBIA1). Also called: PKAN NEUROAXONAL DYSTROPHY, JUVENILE-ONSET; HARP SYNDROME; Pantothenate Kinase-Associated Neurodegeneration; Neuroaxonal dystrophy, late infantile; Hallervorden-Spatz disease; Neurodegeneration with brain iron accumulation 1. Identifiers: Orphanet 157850, MedGen C0018523, MONDO:0009319, OMIM 234200.

Allele frequency attached by ClinVar (database versions not stated): gnomAD 0.00014 and 0.00013; ExAC 0.00015; gnomAD exomes 0.00008; TOPMed 0.00006.
gnomAD v4.1: 104 of 1,547,492 alleles (0.0067%); highest among the groups gnomAD compares: Middle Eastern, 0.45%; 1 homozygote.

Submissions (5):

Labcorp Genetics (formerly Invitae), Labcorp
Classification: Likely benign for Pigmentary pallidal degeneration. Last evaluated: 2026-01-19. Review status: criteria provided, single submitter. Criteria: Invitae Variant Classification Sherloc (09022015). Collection method: clinical testing. Allele origin: germline.

PreventionGenetics, part of Exact Sciences
Classification: Likely benign for PANK2-related condition. Last evaluated: 2025-07-31. Review status: criteria provided, single submitter. Criteria: ACMG Guidelines, 2015. Collection method: clinical testing. Allele origin: germline.
Comment: This variant is classified as likely benign based on ACMG/AMP sequence variant interpretation guidelines (Richards et al. 2015 PMID: 25741868, with internal and published modifications).

Blueprint Genetics
Classification: Likely benign. Last evaluated: 2024-11-06. Review status: criteria provided, single submitter. Criteria: ACMG Guidelines, 2015. Collection method: clinical testing. Allele origin: germline.

CeGaT Center for Human Genetics Tuebingen
Classification: Likely benign. Last evaluated: 2023-05-01. Review status: criteria provided, single submitter. Criteria: CeGaT Center For Human Genetics Tuebingen Variant Classification Criteria Version 2. Collection method: clinical testing. Allele origin: germline. Affected: yes. Observed: 1 variant allele.
Comment: PANK2: BP4, BP7

Eurofins Ntd Llc (ga)
Classification: Uncertain significance. Last evaluated: 2016-03-05. Review status: criteria provided, single submitter. Criteria: EGL Classification Definitions 2015. Collection method: clinical testing. Allele origin: germline. Observed: 1 variant allele, 1 heterozygote.